The following is an entry in ClinVar:

ClinVar aggregate classification (germline): Uncertain significance (1 of 4 stars; one submission).

Submission:

Labcorp Genetics (formerly Invitae), Labcorp
Classification: Uncertain significance. Last evaluated: 2022-03-24. Review status: criteria provided, single submitter. Criteria: Invitae Variant Classification Sherloc (09022015). Collection method: clinical testing. Allele origin: germline.
Comment: In summary, the available evidence is currently insufficient to determine the role of this variant in disease. Therefore, it has been classified as a Variant of Uncertain Significance. Algorithms developed to predict the effect of sequence changes on RNA splicing suggest that this variant may disrupt the consensus splice site. This variant has not been reported in the literature in individuals affected with JAK1-related conditions. This variant is not present in population databases (gnomAD no frequency). This sequence change affects an acceptor splice site in intron 12 of the JAK1 gene. It is expected to disrupt RNA splicing. Variants that disrupt the donor or acceptor splice site typically lead to a loss of protein function (PMID: 16199547), however the current clinical and genetic evidence is not sufficient to establish whether loss-of-function variants in JAK1 cause disease.

Literature cited by the submitters: PubMed 16199547.

NM_002227.4(JAK1):c.1756-2A>T

Genes: JAK1 (Janus kinase 1; minus strand), LOC126805749 (BRD4-independent group 4 enhancer GRCh37_chr1:65312286-65313485; plus strand). Cytogenetic location: 1p31.3.
Variant type: single nucleotide variant.
Coding change: c.1756-2A>T on transcript NM_002227.4 (MANE Select); the canonical splice acceptor site of the intron before coding-DNA position 1756, A replaced by T.
Molecular consequence: splice acceptor variant.
Genome position (GRCh38, 1-based): chr1:64,847,677, T>A on the plus strand (A>T on the coding strand, the complement: JAK1 is on the minus strand). VCF-style: chr1-64847677-T-A. GRCh37 (hg19) VCF-style: chr1-65313360-T-A.
Other names: c.1756-2A>T (NM_001321852.2, NM_001321854.2, NM_001321853.2 and 3 more transcripts); c.1753-2A>T (NM_001321857.2).
Identifiers: ClinVar variation 2116631 (VCV002116631.4), dbSNP rs2524099917, ClinGen allele CA340668307.